The following is an entry in ClinVar:

ClinVar aggregate classification (germline): Pathogenic (1 of 4 stars; one submission).

Conditions:
Neurofibromatosis, type 1 (NF1). Also called: VON RECKLINGHAUSEN DISEASE; NEUROFIBROMATOSIS, TYPE I, SOMATIC; Peripheral type neurofibromatosis; Neurofibromatosis, type I. Identifiers: Orphanet 636, MedGen C0027831, MONDO:0018975, OMIM 162200. Disease mechanism: loss of function.

Submission:

Juno Genomics, Hangzhou Juno Genomics, Inc
Classification: Pathogenic for Neurofibromatosis, type 1. Review status: criteria provided, single submitter. Criteria: ACMG Guidelines, 2015. Collection method: clinical testing. Allele origin: germline. Affected: yes.
Comment: Absent from controls (or at extremely low frequency if recessive) in Genome Aggregation Database, Exome Sequencing Project, 1000 Genomes Project, or Exome Aggregation Consortium.;Null variant in a gene where loss of function (LOF) is a known mechanism of disease.;The prevalence of the variant in affected individuals is significantly increased compared to the prevalence in controls.;De novo (both maternity and paternity confirmed) in a patient with the disease and no family history.

NM_001042492.3(NF1):c.5050del (p.Ser1684fs)

Gene: NF1 (neurofibromin 1; plus strand). Cytogenetic location: 17q11.2.
Variant type: Deletion.
Coding change: c.5050del on transcript NM_001042492.3 (MANE Select); coding-DNA position 5050, one base deleted (T; older notation c.5050delT).
Protein change: p.Ser1684fs; shifts the reading frame from serine 1684.
Molecular consequence: frameshift variant.
Genome position (GRCh38, 1-based): chr17:31,326,034, T deleted. VCF-style (leftmost placement, unchanged base first): chr17-31326033-CT-C. GRCh37 (hg19) VCF-style: chr17-29653051-CT-C.
Other names: c.4987delT, p.Ser1663Profs (NM_000267.4); short protein forms S1663fs, S1684fs.
Identifiers: ClinVar variation 3764660 (VCV003764660.2).